The following is an entry in ClinVar:

NM_012062.5(DNM1L):c.1884+6C>T

Gene: DNM1L (dynamin 1L; plus strand). Cytogenetic location: 12p11.21.
Variant type: single nucleotide variant.
Coding change: c.1884+6C>T on transcript NM_012062.5 (MANE Select); 6 bases into the intron after coding-DNA position 1884, C replaced by T.
Molecular consequence: intron variant.
Genome position (GRCh38, 1-based): chr12:32,740,246, C>T. VCF-style: chr12-32740246-C-T. GRCh37 (hg19) VCF-style: chr12-32893180-C-T.
Other names: c.1923+6C>T (NM_001278464.2); c.1890+6C>T (NM_001278465.2); c.1812+6C>T (NM_001330380.2); c.1275+6C>T (NM_001278466.2); c.1851+6C>T (NM_001278463.2); c.1806+6C>T (NM_012063.4); c.1773+6C>T (NM_005690.5).
Identifiers: ClinVar variation 2704125 (VCV002704125.5), dbSNP rs2541121894, ClinGen allele CA2697559150.

ClinVar aggregate classification (germline): Uncertain significance. Review status: criteria provided, multiple submitters, no conflicts (2 of 4 stars). 2 submissions from 2 submitters: Uncertain significance (2). Last evaluated 2026-06-23.

Submissions (2):

Women's Health and Genetics/Laboratory Corporation of America, LabCorp
Classification: Uncertain significance. Last evaluated: 2026-06-23. Review status: criteria provided, single submitter. Criteria: LabCorp Variant Classification Summary - May 2015. Collection method: clinical testing. Allele origin: germline.
Comment: Variant summary: DNM1L c.1884+6C>T alters a nucleotide located close to a canonical splice site and therefore could affect mRNA splicing, leading to a significantly altered protein sequence. Consensus agreement among computation tools predict no significant impact on normal splicing. However, these predictions have yet to be confirmed by functional studies. The variant was absent in 251462 control chromosomes. The available data on variant occurrences in the general population are insufficient to allow any conclusion about variant significance. To our knowledge, no occurrence of c.1884+6C>T in individuals affected with DNM1L-related conditions and no experimental evidence demonstrating its impact on protein function have been reported. ClinVar contains an entry for this variant (Variation ID: 2704125). Based on the evidence outlined above, the variant was classified as uncertain significance.

Labcorp Genetics (formerly Invitae), Labcorp
Classification: Uncertain significance. Last evaluated: 2023-12-19. Review status: criteria provided, single submitter. Criteria: Invitae Variant Classification Sherloc (09022015). Collection method: clinical testing. Allele origin: germline.
Comment: This sequence change falls in intron 17 of the DNM1L gene. It does not directly change the encoded amino acid sequence of the DNM1L protein. It affects a nucleotide within the consensus splice site. This variant is not present in population databases (gnomAD no frequency). This variant has not been reported in the literature in individuals affected with DNM1L-related conditions. Variants that disrupt the consensus splice site are a relatively common cause of aberrant splicing (PMID: 17576681, 9536098). Algorithms developed to predict the effect of sequence changes on RNA splicing suggest that this variant is not likely to affect RNA splicing. In summary, the available evidence is currently insufficient to determine the role of this variant in disease. Therefore, it has been classified as a Variant of Uncertain Significance.

Literature cited by the submitters: PubMed 17576681 (cited by Labcorp Genetics (formerly Invitae), Labcorp); PubMed 9536098 (cited by Labcorp Genetics (formerly Invitae), Labcorp).